The following is an entry in ClinVar:

ClinVar aggregate classification (germline): Benign/Likely benign. Review status: criteria provided, multiple submitters, no conflicts (2 of 4 stars). 7 submissions from 7 submitters: Benign (1); Likely benign (6). Last evaluated 2026-06-01.

Conditions:
Cardiovascular phenotype. Identifiers: MedGen CN230736.
Ehlers-Danlos syndrome (EDS). Identifiers: Orphanet 98249, MedGen C0013720, MONDO:0020066.

Allele frequency attached by ClinVar (database versions not stated): 1000 Genomes Project 30x 0.00016; gnomAD exomes 0.00029 and 0.00087; gnomAD 0.00050 and 0.00051; TOPMed 0.00056; ExAC 0.00150.
gnomAD v4.1: 514 of 1,550,402 alleles (0.033%); highest among the groups gnomAD compares: Admixed American, 0.16%; 3 homozygotes.

Submissions (7):

CeGaT Center for Human Genetics Tuebingen
Classification: Likely benign. Last evaluated: 2026-06-01. Review status: criteria provided, single submitter. Criteria: CeGaT Center For Human Genetics Tuebingen Variant Classification Criteria Version 2. Collection method: clinical testing. Allele origin: germline. Affected: yes. Observed: 2 variant alleles.
Comment: ZNF469: BP4, BP7

Labcorp Genetics (formerly Invitae), Labcorp
Classification: Benign. Last evaluated: 2026-02-01. Review status: criteria provided, single submitter. Criteria: Invitae Variant Classification Sherloc (09022015). Collection method: clinical testing. Allele origin: germline.

Women's Health and Genetics/Laboratory Corporation of America, LabCorp
Classification: Likely benign. Last evaluated: 2025-01-27. Review status: criteria provided, single submitter. Criteria: LabCorp Variant Classification Summary - May 2015. Collection method: clinical testing. Allele origin: germline.

Blueprint Genetics
Classification: Likely benign. Last evaluated: 2024-11-27. Review status: criteria provided, single submitter. Criteria: ACMG Guidelines, 2015. Collection method: clinical testing. Allele origin: germline.

Genome Diagnostics Laboratory, The Hospital for Sick Children
Classification: Likely benign for Ehlers-Danlos syndrome. Last evaluated: 2021-11-16. Review status: criteria provided, single submitter. Criteria: ACMG Guidelines, 2015. Collection method: clinical testing. Allele origin: germline.

GeneDx
Classification: Likely benign. Last evaluated: 2020-04-27. Review status: criteria provided, single submitter. Criteria: GeneDx Variant Classification Process June 2021. Collection method: clinical testing. Allele origin: germline. Affected: yes.

Ambry Genetics
Classification: Likely benign for Cardiovascular phenotype. Last evaluated: 2019-04-01. Review status: criteria provided, single submitter. Criteria: Ambry Variant Classification Scheme 2023. Collection method: clinical testing. Allele origin: germline.

NM_001367624.2(ZNF469):c.7716G>A (p.Gln2572=)

Gene: ZNF469 (zinc finger protein 469; plus strand). Cytogenetic location: 16q24.2.
Variant type: single nucleotide variant.
Coding change: c.7716G>A on transcript NM_001367624.2 (MANE Select); coding-DNA position 7716, G replaced by A.
Protein change: p.Gln2572=; no amino-acid change (glutamine 2572 retained).
Molecular consequence: synonymous variant.
Genome position (GRCh38, 1-based): chr16:88,435,186, G>A. VCF-style: chr16-88435186-G-A. GRCh37 (hg19) VCF-style: chr16-88501594-G-A.
Other names: NM_001127464.1:c.7632G>A; NM_001127464.2:c.7632G>A.
Identifiers: ClinVar variation 320975 (VCV000320975.24), dbSNP rs775513309, ClinGen allele CA8225277.
Genomic context (GRCh38, chr16:88,435,186, plus strand): 5'-ACCGCCTGCCCAGGGCTCAAAGGAGGTTCTCAGAGCACCGGGGTCCCCACACAGCCAGCA[G>A]CTGCACCCTCCAAGCCCTACTGAGCATGAGGTAGATGTGAAGACTCCGGCCTCCAAGCCC-3'
Protein context (NP_001354553.1, residues 2562-2582): LRAPGSPHSQ[Gln2572=]LHPPSPTEHE